The following is an entry in ClinVar:

NM_173354.5(SIK1):c.1867G>A (p.Gly623Ser)

Gene: SIK1 (salt inducible kinase 1; minus strand). Cytogenetic location: 21q22.3.
Variant type: single nucleotide variant.
Coding change: c.1867G>A on transcript NM_173354.5 (MANE Select); coding-DNA position 1867, G replaced by A.
Protein change: p.Gly623Ser; replaces glycine 623 with serine.
Molecular consequence: missense variant.
Genome position (GRCh38, 1-based): chr21:43,417,652, C>T on the plus strand (G>A on the coding strand, the complement: SIK1 is on the minus strand). VCF-style: chr21-43417652-C-T. GRCh37 (hg19) VCF-style: chr21-44837532-C-T.
Other names: short protein forms G623S.
Identifiers: ClinVar variation 3629373 (VCV003629373.2).

ClinVar aggregate classification (germline): Uncertain significance (1 of 4 stars; one submission).

Conditions:
Developmental and epileptic encephalopathy, 30 (DEE30). Also called: Epileptic encephalopathy, early infantile, 30. Identifiers: MedGen C4225360, MONDO:0014595, OMIM 616341.

Submission:

Labcorp Genetics (formerly Invitae), Labcorp
Classification: Uncertain significance for Developmental and epileptic encephalopathy, 30. Last evaluated: 2024-08-15. Review status: criteria provided, single submitter. Criteria: Invitae Variant Classification Sherloc (09022015). Collection method: clinical testing. Allele origin: germline.
Comment: This sequence change replaces glycine, which is neutral and non-polar, with serine, which is neutral and polar, at codon 623 of the SIK1 protein (p.Gly623Ser). This variant is not present in population databases (gnomAD no frequency). This variant has not been reported in the literature in individuals affected with SIK1-related conditions. Invitae Evidence Modeling of protein sequence and biophysical properties (such as structural, functional, and spatial information, amino acid conservation, physicochemical variation, residue mobility, and thermodynamic stability) indicates that this missense variant is not expected to disrupt SIK1 protein function with a negative predictive value of 95%. In summary, the available evidence is currently insufficient to determine the role of this variant in disease. Therefore, it has been classified as a Variant of Uncertain Significance.